The following is an entry in ClinVar:

ClinVar aggregate classification (germline): Uncertain significance (1 of 4 stars; one submission).

Allele frequency attached by ClinVar (database versions not stated): ExAC 0.00001.

Submission:

Labcorp Genetics (formerly Invitae), Labcorp
Classification: Uncertain significance. Last evaluated: 2022-05-23. Review status: criteria provided, single submitter. Criteria: Invitae Variant Classification Sherloc (09022015). Collection method: clinical testing. Allele origin: germline.
Comment: This variant is present in population databases (rs773875633, gnomAD 0.003%). This sequence change replaces glycine, which is neutral and non-polar, with alanine, which is neutral and non-polar, at codon 612 of the EEF2 protein (p.Gly612Ala). This variant has not been reported in the literature in individuals affected with EEF2-related conditions. Algorithms developed to predict the effect of missense changes on protein structure and function are either unavailable or do not agree on the potential impact of this missense change (SIFT: "Tolerated"; PolyPhen-2: "Probably Damaging"; Align-GVGD: "Class C0"). In summary, the available evidence is currently insufficient to determine the role of this variant in disease. Therefore, it has been classified as a Variant of Uncertain Significance.

NM_001961.4(EEF2):c.1835G>C (p.Gly612Ala)

Gene: EEF2 (eukaryotic translation elongation factor 2; minus strand). Cytogenetic location: 19p13.3.
Variant type: single nucleotide variant.
Coding change: c.1835G>C on transcript NM_001961.4 (MANE Select); coding-DNA position 1835, G replaced by C.
Protein change: p.Gly612Ala; replaces glycine 612 with alanine.
Molecular consequence: missense variant.
Genome position (GRCh38, 1-based): chr19:3,978,051, C>G on the plus strand (G>C on the coding strand, the complement: EEF2 is on the minus strand). VCF-style: chr19-3978051-C-G. GRCh37 (hg19) VCF-style: chr19-3978049-C-G.
Other names: short protein forms G612A.
Identifiers: ClinVar variation 2082780 (VCV002082780.4), dbSNP rs773875633, ClinGen allele CA9088752.